The following is an entry in ClinVar:

ClinVar aggregate classification (germline): Pathogenic. Review status: reviewed by expert panel (3 of 4 stars). 3 submissions from 3 submitters: Pathogenic (1). 2 of the submissions do not count toward it. Last evaluated 2016-10-18.

Conditions:
Polyposis syndrome, hereditary mixed, 1 (HMPS1). Also called: CHROMOSOME 15q13-q14 DUPLICATION SYNDROME, 40-KB; COLORECTAL ADENOMA AND CARCINOMA 1. Identifiers: Orphanet 157794, MedGen C1832587, MONDO:0042486, OMIM 601228.
Breast-ovarian cancer, familial, susceptibility to, 2 (BROVCA2). Also called: BRCA2 Hereditary Breast and Ovarian Cancer. Identifiers: Orphanet 145, MedGen C2675520, MONDO:0012933, OMIM 612555. Disease mechanism: loss of function.

Submissions (3):

Evidence-based Network for the Interpretation of Germline Mutant Alleles (ENIGMA)
Classification: Pathogenic for Breast-ovarian cancer, familial, susceptibility to, 2. Last evaluated: 2016-10-18. Review status: reviewed by expert panel. Criteria: ENIGMA BRCA1/2 Classification Criteria (2015). Collection method: curation. Allele origin: germline.
Comment: Variant allele predicted to encode a truncated non-functional protein.

Consortium of Investigators of Modifiers of BRCA1/2 (CIMBA), c/o University of Cambridge
Classification: Pathogenic for Breast-ovarian cancer, familial, susceptibility to, 2. Last evaluated: 2015-10-02. Review status: criteria provided, single submitter. Criteria: CIMBA Mutation Classification guidelines May 2016. Collection method: clinical testing. Allele origin: germline. Not counted in ClinVar's aggregate classification.

Genomic Center, National Cancer Institute
Classification: Likely pathogenic for Polyposis syndrome, hereditary mixed, 1. Review status: no assertion criteria provided. Collection method: case-control. Allele origin: germline. Affected: yes. Not counted in ClinVar's aggregate classification.

NM_000059.4(BRCA2):c.2514del (p.Lys838fs)

Gene: BRCA2 (BRCA2 DNA repair associated; plus strand). Cytogenetic location: 13q13.1.
Variant type: Deletion.
Coding change: c.2514del on transcript NM_000059.4 (MANE Select); coding-DNA position 2514, one base deleted (A; older notation c.2514delA).
Protein change: p.Lys838fs; shifts the reading frame from lysine 838.
Molecular consequence: frameshift variant.
Genome position (GRCh38, 1-based): chr13:32,336,869, A deleted; the last of 5 consecutive A bases (chr13:32,336,865-32,336,869); deleting any one gives the same sequence. VCF-style (leftmost placement, unchanged base first): chr13-32336864-GA-G. GRCh37 (hg19) VCF-style: chr13-32911001-GA-G.
Other names: 2742delA; c.2514delA (NM_000059.4); short protein forms K838fs.
Identifiers: ClinVar variation 266706 (VCV000266706.7), dbSNP rs886040433, ClinGen allele CA10589159.
Genomic context (GRCh38, chr13:32,336,864, plus strand): 5'-AAGAATCAAGATGTATGTGCTTTAAATGAAAATTATAAAAACGTTGAGCTGTTGCCACCT[GA>G]AAAATACATGAGAGTAGCATCACCTTCAAGAAAGGTACAATTCAACCAAAACACAAATCT-3'